The following is an entry in ClinVar:

ClinVar aggregate classification (germline): Uncertain significance (1 of 4 stars; one submission).

Conditions:
Hereditary spastic paraplegia 39 (SPG39). Also called: Spastic Paraplegia Type 39 (SPG39); SPASTIC PARAPLEGIA 39, AUTOSOMAL RECESSIVE. Identifiers: Orphanet 139480, MedGen C2677586, MONDO:0012787, OMIM 612020.

Allele frequency attached by ClinVar (database versions not stated): gnomAD exomes 0.00001.
gnomAD v4.1: 7 of 1,604,616 alleles (0.00044%); highest among the groups gnomAD compares: Non-Finnish European, 0.0006%; no homozygotes.

Submission:

Labcorp Genetics (formerly Invitae), Labcorp
Classification: Uncertain significance for Hereditary spastic paraplegia 39. Last evaluated: 2022-07-26. Review status: criteria provided, single submitter. Criteria: Invitae Variant Classification Sherloc (09022015). Collection method: clinical testing. Allele origin: germline.
Comment: This sequence change replaces proline, which is neutral and non-polar, with serine, which is neutral and polar, at codon 305 of the PNPLA6 protein (p.Pro305Ser). This variant is not present in population databases (gnomAD no frequency). This variant has not been reported in the literature in individuals affected with PNPLA6-related conditions. ClinVar contains an entry for this variant (Variation ID: 1437468). Algorithms developed to predict the effect of missense changes on protein structure and function (SIFT, PolyPhen-2, Align-GVGD) all suggest that this variant is likely to be tolerated. In summary, the available evidence is currently insufficient to determine the role of this variant in disease. Therefore, it has been classified as a Variant of Uncertain Significance.

NM_001166114.2(PNPLA6):c.1030C>T (p.Pro344Ser)

Gene: PNPLA6 (patatin like domain 6, lysophospholipase; plus strand). Cytogenetic location: 19p13.2.
Variant type: single nucleotide variant.
Coding change: c.1030C>T on transcript NM_001166114.2 (MANE Select); coding-DNA position 1030, C replaced by T.
Protein change: p.Pro344Ser; replaces proline 344 with serine.
Molecular consequence: missense variant.
Genome position (GRCh38, 1-based): chr19:7,541,546, C>T. VCF-style: chr19-7541546-C-T. GRCh37 (hg19) VCF-style: chr19-7606432-C-T.
Other names: c.1057C>T, p.Pro353Ser (NM_001166111.2); c.913C>T, p.Pro305Ser (NM_001166112.2, NM_001166113.1, NM_006702.5); short protein forms P344S, P305S, P353S.
Identifiers: ClinVar variation 1437468 (VCV001437468.8), dbSNP rs2146056016, ClinGen allele CA403108905.
Genomic context (GRCh38, chr19:7,541,546, plus strand): 5'-TCCCAGGACAGGCCACAAGCTGTTCTCTGCCCCCAGGAGATCCAGCCCCTGCGTCTGTTC[C>T]CCAGCCCCGGCCTCCCAACTCGCACCAGCCCTGTGCGGGGCTCCAAGAGAATGGTCAGCA-3'
Protein context (NP_001159586.1, residues 334-354): SHEIQPLRLF[Pro344Ser]SPGLPTRTSP